The following is an entry in ClinVar:

ClinVar aggregate classification (germline): Benign/Likely benign. Review status: criteria provided, multiple submitters, no conflicts (2 of 4 stars). 7 submissions from 6 submitters: Benign (2); Likely benign (5). Last evaluated 2026-06-01.

Conditions:
Cutis laxa. Identifiers: Orphanet 209, MedGen C0010495, MONDO:0016175, HP:0000973.
Macular degeneration, age-related, 3 (ARMD3). Identifiers: Orphanet 280598, MedGen C1837187, MONDO:0012145, OMIM 608895.

Allele frequency attached by ClinVar (database versions not stated): gnomAD exomes 0.00020; ExAC 0.00052; gnomAD 0.00134; ESP Exome Variant Server 0.00169; TOPMed 0.00188; 1000 Genomes Project 30x 0.00344; 1000 Genomes Project 0.00379.
gnomAD v4.1: 589 of 1,613,686 alleles (0.037%); highest among the groups gnomAD compares: African/African-American, 0.59%; 5 homozygotes.

Submissions (7):

CeGaT Center for Human Genetics Tuebingen
Classification: Likely benign. Last evaluated: 2026-06-01. Review status: criteria provided, single submitter. Criteria: CeGaT Center For Human Genetics Tuebingen Variant Classification Criteria Version 2. Collection method: clinical testing. Allele origin: germline. Affected: yes. Observed: 2 variant alleles.
Comment: FBLN5: BP4, BP7

Molecular Diagnostic Laboratory for Inherited Cardiovascular Disease, Montreal Heart Institute
Classification: Likely benign. Last evaluated: 2026-03-27. Review status: criteria provided, single submitter. Criteria: ACMG Guidelines, 2015. Collection method: clinical testing. Allele origin: germline. Affected: no.
Comment: BS1;BP7

Labcorp Genetics (formerly Invitae), Labcorp
Classification: Benign. Last evaluated: 2026-01-08. Review status: criteria provided, single submitter. Criteria: Invitae Variant Classification Sherloc (09022015). Collection method: clinical testing. Allele origin: germline.

Blueprint Genetics
Classification: Likely benign. Last evaluated: 2024-07-15. Review status: criteria provided, single submitter. Criteria: ACMG Guidelines, 2015. Collection method: clinical testing. Allele origin: germline.

GeneDx
Classification: Likely benign. Last evaluated: 2020-10-08. Review status: criteria provided, single submitter. Criteria: GeneDx Variant Classification Process June 2021. Collection method: clinical testing. Allele origin: germline. Affected: yes.

Illumina Laboratory Services, Illumina
Classification: Benign for Cutis laxa. Last evaluated: 2018-01-12. Review status: criteria provided, single submitter. Criteria: ICSL Variant Classification Criteria 13 December 2019. Collection method: clinical testing. Allele origin: germline.
Comment: This variant was observed in the ICSL laboratory as part of a predisposition screen in an ostensibly healthy population. It had not been previously curated by ICSL or reported in the Human Gene Mutation Database (HGMD: prior to June 1st, 2018), and was therefore a candidate for classification through an automated scoring system. Utilizing variant allele frequency, disease prevalence and penetrance estimates, and inheritance mode, an automated score was calculated to assess if this variant is too frequent to cause the disease. Based on the score and internal cut-off values, a variant classified as benign is not then subjected to further curation. The score for this variant resulted in a classification of benign for this disease.

Illumina Laboratory Services, Illumina
Classification: Likely benign for Macular degeneration, age-related, 3. Last evaluated: 2018-01-12. Review status: criteria provided, single submitter. Criteria: ICSL Variant Classification Criteria 13 December 2019. Collection method: clinical testing. Allele origin: germline.
Comment: This variant was observed in the ICSL laboratory as part of a predisposition screen in an ostensibly healthy population. It had not been previously curated by ICSL or reported in the Human Gene Mutation Database (HGMD: prior to June 1st, 2018), and was therefore a candidate for classification through an automated scoring system. Utilizing variant allele frequency, disease prevalence and penetrance estimates, and inheritance mode, an automated score was calculated to assess if this variant is too frequent to cause the disease. Based on the score and internal cut-off values, a variant classified as likely benign is not then subjected to further curation. The score for this variant resulted in a classification of likely benign for this disease.

NM_006329.4(FBLN5):c.714T>A (p.Leu238=)

Gene: FBLN5 (fibulin 5; minus strand). Cytogenetic location: 14q32.12.
Variant type: single nucleotide variant.
Coding change: c.714T>A on transcript NM_006329.4 (MANE Select); coding-DNA position 714, T replaced by A.
Protein change: p.Leu238=; no amino-acid change (leucine 238 retained).
Molecular consequence: synonymous variant.
Genome position (GRCh38, 1-based): chr14:91,887,218, A>T on the plus strand (T>A on the coding strand, the complement: FBLN5 is on the minus strand). VCF-style: chr14-91887218-A-T. GRCh37 (hg19) VCF-style: chr14-92353562-A-T.
Other names: c.837T>A, p.Leu279= (NM_001384158.1); c.765T>A, p.Leu255= (NM_001384159.1); c.714T>A, p.Leu238= (NM_001384160.1); c.546T>A, p.Leu182= (NM_001384161.1, NM_001384162.1).
Identifiers: ClinVar variation 314876 (VCV000314876.24), dbSNP rs141152607, ClinGen allele CA7312758.